The following is an entry in ClinVar:

ClinVar aggregate classification (germline): Uncertain significance (1 of 4 stars; one submission).

Submission:

GeneDx
Classification: Uncertain significance. Last evaluated: 2024-07-21. Review status: criteria provided, single submitter. Criteria: GeneDx Variant Classification Process June 2021. Collection method: clinical testing. Allele origin: germline. Affected: yes.
Comment: Has not been previously published as pathogenic or benign to our knowledge; In-silico analysis is inconclusive as to whether the variant impacts protein structure/function. In the absence of functional studies, the actual effect of this sequence change is unknown

NM_001372044.2(SHANK3):c.3052G>C (p.Ala1018Pro)

Gene: SHANK3 (SH3 and multiple ankyrin repeat domains 3; plus strand). Cytogenetic location: 22q13.33.
Variant type: single nucleotide variant.
Coding change: c.3052G>C on transcript NM_001372044.2 (MANE Select); coding-DNA position 3052, G replaced by C.
Protein change: p.Ala1018Pro; replaces alanine 1018 with proline.
Molecular consequence: missense variant.
Genome position (GRCh38, 1-based): chr22:50,720,660, G>C. VCF-style: chr22-50720660-G-C. GRCh37 (hg19) VCF-style: chr22-51159088-G-C.
Other names: c.2827G>C (NM_033517.1); short protein forms A1018P.
Identifiers: ClinVar variation 3600861 (VCV003600861.1).